The following is an entry in ClinVar:

NM_213595.4(ISCU):c.*13C>T

Gene: ISCU (iron-sulfur cluster assembly enzyme; plus strand). Cytogenetic location: 12q23.3.
Variant type: single nucleotide variant.
Coding change: c.*13C>T on transcript NM_213595.4 (MANE Select); 13 bases downstream of the stop codon, C replaced by T.
Molecular consequence: 3 prime UTR variant. On other transcripts: non-coding transcript variant (1).
Genome position (GRCh38, 1-based): chr12:108,568,929, C>T. VCF-style: chr12-108568929-C-T. GRCh37 (hg19) VCF-style: chr12-108962705-C-T.
Other names: c.*138C>T (NM_001301140.1); c.*143C>T (NM_001301141.1); c.*1225C>T (NM_001320042.1); c.*13C>T (NM_014301.4).
Identifiers: ClinVar variation 382621 (VCV000382621.1), dbSNP rs778880231, ClinGen allele CA6768897.

ClinVar aggregate classification (germline): Likely benign (1 of 4 stars; one submission).

Allele frequency attached by ClinVar (database versions not stated): gnomAD 0.00010 and 0.00004; gnomAD exomes 0.00003; ExAC 0.00006.

Submission:

GeneDx
Classification: Likely benign. Last evaluated: 2017-08-12. Review status: criteria provided, single submitter. Criteria: GeneDx Variant Classification (06012015). Collection method: clinical testing. Allele origin: germline. Affected: yes.
Comment: This variant is considered likely benign or benign based on one or more of the following criteria: it is a conservative change, it occurs at a poorly conserved position in the protein, it is predicted to be benign by multiple in silico algorithms, and/or has population frequency not consistent with disease.